The following is an entry in ClinVar:

ClinVar aggregate classification (germline): Uncertain significance (1 of 4 stars; one submission).

Allele frequency attached by ClinVar (database versions not stated): ExAC 0.00002; gnomAD 0.00007; TOPMed 0.00009; gnomAD exomes 0.00014.

Submission:

Labcorp Genetics (formerly Invitae), Labcorp
Classification: Uncertain significance. Last evaluated: 2024-09-18. Review status: criteria provided, single submitter. Criteria: Invitae Variant Classification Sherloc (09022015). Collection method: clinical testing. Allele origin: germline.
Comment: This sequence change creates a premature translational stop signal (p.Leu117*) in the ZDBF2 gene. While this is not anticipated to result in nonsense mediated decay, it is expected to disrupt the last 2238 amino acid(s) of the ZDBF2 protein. This variant is present in population databases (rs755604527, gnomAD 0.009%). This variant has not been reported in the literature in individuals affected with ZDBF2-related conditions. In summary, the available evidence is currently insufficient to determine the role of this variant in disease. Therefore, it has been classified as a Variant of Uncertain Significance.

NM_020923.3(ZDBF2):c.350T>G (p.Leu117Ter)

Gene: ZDBF2 (zinc finger DBF-type containing 2; plus strand). Cytogenetic location: 2q33.3.
Variant type: single nucleotide variant.
Coding change: c.350T>G on transcript NM_020923.3 (MANE Select); coding-DNA position 350, T replaced by G.
Protein change: p.Leu117Ter; replaces leucine 117 with a stop codon.
Molecular consequence: nonsense.
Genome position (GRCh38, 1-based): chr2:206,304,878, T>G. VCF-style: chr2-206304878-T-G. GRCh37 (hg19) VCF-style: chr2-207169602-T-G.
Other names: c.344T>G, p.Leu115Ter (NM_001285549.2); c.350T>G, p.Leu117Ter (NM_001369654.1); short protein forms L117*, L115*.
Identifiers: ClinVar variation 2712199 (VCV002712199.3), dbSNP rs755604527, ClinGen allele CA2071671.